The following is an entry in ClinVar:

ClinVar aggregate classification (germline): Conflicting classifications of pathogenicity. Review status: criteria provided, conflicting classifications (1 of 4 stars). 2 submissions from 2 submitters: Uncertain significance (1); Benign (1). Last evaluated 2022-07-01.

Allele frequency attached by ClinVar (database versions not stated): gnomAD 0.00108; 1000 Genomes Project 30x 0.00125; gnomAD exomes 0.00877; 1000 Genomes Project 0.00120; TOPMed 0.00284.

Submissions (2):

CeGaT Center for Human Genetics Tuebingen
Classification: Benign. Last evaluated: 2022-07-01. Review status: criteria provided, single submitter. Criteria: CeGaT Center For Human Genetics Tuebingen Variant Classification Criteria Version 2. Collection method: clinical testing. Allele origin: germline. Affected: yes. Observed: 2 variant alleles.
Comment: GJA5: BS1, BS2

Breakthrough Genomics
Classification: Uncertain significance. Review status: criteria provided, single submitter. Criteria: ACMG Guidelines, 2015. Collection method: not provided. Allele origin: germline. Inheritance: Autosomal dominant inheritance. Affected: yes.

NM_005266.7(GJA5):c.-67G>A

Gene: GJA5 (gap junction protein alpha 5; minus strand). Cytogenetic location: 1q21.2.
Variant type: single nucleotide variant.
Coding change: c.-67G>A on transcript NM_005266.7; 67 bases upstream of the start codon, G replaced by A.
Molecular consequence: 5 prime UTR variant.
Genome position (GRCh38, 1-based): chr1:147,773,285, C>T on the plus strand (G>A on the coding strand, the complement: GJA5 is on the minus strand). VCF-style: chr1-147773285-C-T. GRCh37 (hg19) VCF-style: chr1-147245389-C-T.
Identifiers: ClinVar variation 292457 (VCV000292457.36), dbSNP rs36214923, ClinGen allele CA10608024.